The following is an entry in ClinVar:

NM_015041.3(CLUAP1):c.1201C>G (p.Arg401Gly)

Gene: CLUAP1 (clusterin associated protein 1; plus strand). Cytogenetic location: 16p13.3.
Variant type: single nucleotide variant.
Coding change: c.1201C>G on transcript NM_015041.3 (MANE Select); coding-DNA position 1201, C replaced by G.
Protein change: p.Arg401Gly; replaces arginine 401 with glycine.
Molecular consequence: missense variant.
Genome position (GRCh38, 1-based): chr16:3,536,230, C>G. VCF-style: chr16-3536230-C-G. GRCh37 (hg19) VCF-style: chr16-3586230-C-G.
Other names: c.1258C>G, p.Arg420Gly (NM_001330454.2); c.703C>G, p.Arg235Gly (NM_024793.3); short protein forms R235G, R401G, R420G.
Identifiers: ClinVar variation 2125683 (VCV002125683.4), dbSNP rs9790, ClinGen allele CA394516626.
Genomic context (GRCh38, chr16:3,536,230, plus strand): 5'-GATGACGATTTGGAAGACGAGAGCATTTCTCTCTCACCAACCAAGCCCAATCGAAGGGTC[C>G]GGAAATCTGAACCCCTGGATGAGAGTGACAATGACTTCTGACCCTTTTGCCAAGGGACCC-3'
Protein context (NP_055856.1, residues 391-411): LSPTKPNRRV[Arg401Gly]KSEPLDESDN

ClinVar aggregate classification (germline): Uncertain significance (1 of 4 stars; one submission).

Submission:

Labcorp Genetics (formerly Invitae), Labcorp
Classification: Uncertain significance. Last evaluated: 2025-05-27. Review status: criteria provided, single submitter. Criteria: Invitae Variant Classification Sherloc (09022015). Collection method: clinical testing. Allele origin: germline.
Comment: This sequence change replaces arginine, which is basic and polar, with glycine, which is neutral and non-polar, at codon 401 of the CLUAP1 protein (p.Arg401Gly). This variant is not present in population databases (gnomAD no frequency). This variant has not been reported in the literature in individuals affected with CLUAP1-related conditions. ClinVar contains an entry for this variant (Variation ID: 2125683). Invitae Evidence Modeling of protein sequence and biophysical properties (such as structural, functional, and spatial information, amino acid conservation, physicochemical variation, residue mobility, and thermodynamic stability) indicates that this missense variant is not expected to disrupt CLUAP1 protein function with a negative predictive value of 80%. In summary, the available evidence is currently insufficient to determine the role of this variant in disease. Therefore, it has been classified as a Variant of Uncertain Significance.